The following is an entry in ClinVar:

ClinVar aggregate classification (germline): Benign. Review status: reviewed by expert panel (3 of 4 stars). 4 submissions from 3 submitters: Benign (1). 3 of the submissions do not count toward it. Last evaluated 2016-09-28.

Conditions:
Hereditary breast ovarian cancer syndrome. Also called: Hereditary breast and ovarian cancer; Hereditary breast and ovarian cancer syndrome (HBOC); Hereditary breast and/or ovarian cancer syndrome; Breast and ovarian cancer; Hereditary breast and ovarian cancer syndrome; BRCA1- and BRCA2-Associated Hereditary Breast and Ovarian Cancer. Identifiers: Orphanet 145, MedGen C0677776, MeSH D061325, MONDO:0003582. Disease mechanism: loss of function.
Breast-ovarian cancer, familial, susceptibility to, 2 (BROVCA2). Also called: BRCA2 Hereditary Breast and Ovarian Cancer. Identifiers: Orphanet 145, MedGen C2675520, MONDO:0012933, OMIM 612555. Disease mechanism: loss of function.
Familial cancer of breast. Also called: Hereditary breast cancer; BREAST CANCER, FAMILIAL; hereditary breast carcinoma. Identifiers: Orphanet 227535, MedGen C0346153, MONDO:0016419, OMIM 114480. Disease mechanism: loss of function.

Allele frequency attached by ClinVar (database versions not stated): gnomAD 0.00003 and 0.00078; TOPMed 0.00014; 1000 Genomes Project 0.00459; 1000 Genomes Project 30x 0.00468.
gnomAD v4.1: 1,641 of 1,494,474 alleles (0.11%); highest among the groups gnomAD compares: South Asian, 1.8%; 30 homozygotes.

Submissions (4):

Evidence-based Network for the Interpretation of Germline Mutant Alleles (ENIGMA)
Classification: Benign for Breast-ovarian cancer, familial, susceptibility to, 2. Last evaluated: 2016-09-28. Review status: reviewed by expert panel. Criteria: ENIGMA BRCA1/2 Classification Criteria (2015). Collection method: curation. Allele origin: germline.
Comment: Class 1 not pathogenic based on frequency >1% in an outbred sampleset. Frequency 0.0235 (South Asian), derived from 1000 genomes (2013-05-02).

KCCC/NGS Laboratory, Kuwait Cancer Control Center
Classification: Benign for Familial cancer of breast. Last evaluated: 2025-02-01. Review status: criteria provided, single submitter. Criteria: ACMG Guidelines, 2015. Collection method: clinical testing. Allele origin: germline. Affected: no. Not counted in ClinVar's aggregate classification.

KCCC/NGS Laboratory, Kuwait Cancer Control Center
Classification: Benign for Breast-ovarian cancer, familial, susceptibility to, 2. Last evaluated: 2023-07-07. Review status: criteria provided, single submitter. Criteria: ACMG Guidelines, 2015. Collection method: clinical testing. Allele origin: germline. Affected: yes. Not counted in ClinVar's aggregate classification.

National Health Laboratory Service, Universitas Academic Hospital and University of the Free State
Classification: Benign for Hereditary breast ovarian cancer syndrome. Last evaluated: 2022-04-19. Review status: criteria provided, single submitter. Criteria: ACMG Guidelines, 2015. Collection method: clinical testing. Allele origin: germline. Affected: yes. Observed: 20 variant alleles. Not counted in ClinVar's aggregate classification.

Literature cited by the submitters: DOI 10.3389/fgene.2022.834265 (cited by National Health Laboratory Service, Universitas Academic Hospital and University of the Free State).

NM_000059.4(BRCA2):c.67+58A>C

Gene: BRCA2 (BRCA2 DNA repair associated; plus strand). Cytogenetic location: 13q13.1.
Variant type: single nucleotide variant.
Coding change: c.67+58A>C on transcript NM_000059.4 (MANE Select); 58 bases into the intron after coding-DNA position 67, A replaced by C.
Molecular consequence: intron variant.
Genome position (GRCh38, 1-based): chr13:32,316,585, A>C. VCF-style: chr13-32316585-A-C. GRCh37 (hg19) VCF-style: chr13-32890722-A-C.
Identifiers: ClinVar variation 264919 (VCV000264919.18), dbSNP rs538947930, ClinGen allele CA10588064.